The following is an entry in ClinVar:

NM_017890.4(VPS13B):c.9850dup (p.Ile3284Asnfs)

Gene: VPS13B (vacuolar protein sorting 13 homolog B; plus strand). Cytogenetic location: 8q22.2.
Variant type: Duplication.
Coding change: c.9850dup on transcript NM_017890.4; coding-DNA position 9850, one base duplicated (A; older notation c.9850dupA).
Protein change: p.Ile3284Asnfs; shifts the reading frame from isoleucine 3284.
Molecular consequence: frameshift variant (on NM_152564.5).
Genome position (GRCh38, 1-based): chr8:99,835,571, A duplicated; the last of 7 consecutive A bases (chr8:99,835,565-99,835,571); duplicating any one gives the same sequence. VCF-style (leftmost placement, unchanged base first): chr8-99835564-C-CA. GRCh37 (hg19) VCF-style: chr8-100847792-C-CA.
Other names: c.9775dupA (NM_152564.4); c.9850dupA (NM_017890.4, NM_017890.3); c.9850dup, p.Ile3284fs (NM_017890.5); c.9775dup, p.Ile3259fs (NM_152564.5); short protein forms I3259fs, I3284fs.
Identifiers: ClinVar variation 498787 (VCV000498787.13), dbSNP rs774357106, ClinGen allele CA658797130.
Genomic context (GRCh38, chr8:99,835,564, plus strand): 5'-GGCTAATTCTGCATATGCCTTTTTTAAAATTTCAGATATTCCAAAGTTTGAGGTTTATTG[C>CA]AAAAAAATTCCCTCCGAGTGCTCAATTCATCATGAGCTGTATCATCAGATTTCCAGTTAT-3'

ClinVar aggregate classification (germline): Pathogenic/Likely pathogenic. Review status: criteria provided, multiple submitters, no conflicts (2 of 4 stars). 5 submissions from 5 submitters: Pathogenic (3); Likely pathogenic (1). 1 of the submissions does not count toward it. Last evaluated 2025-08-12.

Conditions:
VPS13B-related disorder. Also called: VPS13B-related condition.
Inborn genetic diseases. Identifiers: MedGen C0950123, MeSH D030342.
Cohen syndrome (COH1). Also called: PEPPER SYNDROME; Cutis verticis gyrata, retinitis pigmentosa, and sensorineural deafness. Identifiers: Orphanet 193, MedGen C0265223, MONDO:0008999, OMIM 216550.

Submissions (5):

PreventionGenetics, part of Exact Sciences
Classification: Likely pathogenic for VPS13B-related condition. Last evaluated: 2025-08-12. Review status: criteria provided, single submitter. Criteria: ACMG Guidelines, 2015. Collection method: clinical testing. Allele origin: germline.
Comment: The VPS13B c.9775dupA variant is predicted to result in a frameshift and premature protein termination (p.Ile3259Asnfs*10). To our knowledge, this variant has not been reported in the literature or in a large population database (gnomAD), indicating this variant is rare. Frameshift variants in VPS13B are expected to be pathogenic. This variant is interpreted as likely pathogenic.

Labcorp Genetics (formerly Invitae), Labcorp
Classification: Pathogenic for Cohen syndrome. Last evaluated: 2024-06-30. Review status: criteria provided, single submitter. Criteria: Invitae Variant Classification Sherloc (09022015). Collection method: clinical testing. Allele origin: germline.
Comment: This sequence change creates a premature translational stop signal (p.Ile3284Asnfs*10) in the VPS13B gene. It is expected to result in an absent or disrupted protein product. Loss-of-function variants in VPS13B are known to be pathogenic (PMID: 15141358, 16648375, 20461111). This variant is not present in population databases (gnomAD no frequency). This variant has not been reported in the literature in individuals affected with VPS13B-related conditions. ClinVar contains an entry for this variant (Variation ID: 498787). For these reasons, this variant has been classified as Pathogenic.

Ambry Genetics
Classification: Pathogenic for Inborn genetic diseases. Last evaluated: 2023-10-25. Review status: criteria provided, single submitter. Criteria: Ambry Variant Classification Scheme 2023. Collection method: clinical testing. Allele origin: germline.
Comment: The c.9850dupA (p.I3284Nfs*10) alteration, located in exon 54 (coding exon 53) of the VPS13B gene, consists of a duplication of A at position 9850, causing a translational frameshift with a predicted alternate stop codon after 10 amino acids. This alteration is expected to result in loss of function by premature protein truncation or nonsense-mediated mRNA decay. This variant was not reported in population-based cohorts in the Genome Aggregation Database (gnomAD). Based on the available evidence, this alteration is classified as pathogenic.

Eurofins Ntd Llc (ga)
Classification: Pathogenic. Last evaluated: 2016-12-12. Review status: criteria provided, single submitter. Criteria: EGL Classification Definitions 2015. Collection method: clinical testing. Allele origin: germline. Observed: 1 variant allele, 1 heterozygote.

Counsyl
Classification: Likely pathogenic for Cohen syndrome. Last evaluated: 2017-09-05. Review status: no assertion criteria provided. Collection method: clinical testing. Allele origin: unknown. Not counted in ClinVar's aggregate classification.

Literature cited by the submitters: PubMed 15141358 (cited by Labcorp Genetics (formerly Invitae), Labcorp); PubMed 16648375 (cited by Labcorp Genetics (formerly Invitae), Labcorp); PubMed 20461111 (cited by Labcorp Genetics (formerly Invitae), Labcorp).